The following is an entry in ClinVar:

NM_000497.4(CYP11B1):c.479TGG[1] (p.Val161del)

Genes: CYP11B1 (cytochrome P450 family 11 subfamily B member 1; minus strand), LOC106799833 (CYP11B1 recombination region; plus strand). Cytogenetic location: 8q24.3.
Variant type: Microsatellite.
Coding change: c.479TGG[1] on transcript NM_000497.4 (MANE Select); one copy of the 3-base unit TGG starting at c.479; the reference has two copies in a row; one copy, 3 bases deleted.
Protein change: p.Val161del; deletes valine 161.
Molecular consequence: inframe deletion.
Genome position (GRCh38, 1-based): chr8:142,877,134-142,877,136, CCA deleted on the plus strand (TGG on the coding strand, the reverse complement: CYP11B1 is on the minus strand); deleting any 3 consecutive bases within chr8:142,877,134-142,877,139 gives the same sequence; the position shown is the placement nearest the transcript's 3' end. VCF-style (leftmost placement, unchanged base first): chr8-142877133-TCCA-T. GRCh37 (hg19) VCF-style: chr8-143958549-TCCA-T.
Other names: c.479TGG[1], p.Val161del (NM_001026213.1); short protein forms V161del.
Identifiers: ClinVar variation 2136709 (VCV002136709.4), dbSNP rs1241060366, ClinGen allele CA585384375.

ClinVar aggregate classification (germline): Uncertain significance (1 of 4 stars; one submission).

Submission:

Labcorp Genetics (formerly Invitae), Labcorp
Classification: Uncertain significance. Last evaluated: 2025-10-13. Review status: criteria provided, single submitter. Criteria: Invitae Variant Classification Sherloc (09022015). Collection method: clinical testing. Allele origin: germline.
Comment: This variant, c.482_484del, results in the deletion of 1 amino acid(s) of the CYP11B1 protein (p.Val161del), but otherwise preserves the integrity of the reading frame. This variant is present in population databases (no rsID available, gnomAD 0.0009%). This variant has not been reported in the literature in individuals affected with CYP11B1-related conditions. This variant is also known as c.481_483del. Experimental studies and prediction algorithms are not available or were not evaluated, and the functional significance of this variant is currently unknown. In summary, the available evidence is currently insufficient to determine the role of this variant in disease. Therefore, it has been classified as a Variant of Uncertain Significance.